The following is an entry in ClinVar:

ClinVar aggregate classification (germline): Uncertain significance. Review status: criteria provided, multiple submitters, no conflicts (2 of 4 stars). 2 submissions from 2 submitters: Uncertain significance (2). Last evaluated 2025-09-25.

Allele frequency attached by ClinVar (database versions not stated): ExAC 0.00007; gnomAD 0.00001; gnomAD exomes 0.00002.
gnomAD v4.1: 35 of 1,614,078 alleles (0.0022%); highest among the groups gnomAD compares: South Asian, 0.019%; no homozygotes.

Submissions (2):

Labcorp Genetics (formerly Invitae), Labcorp
Classification: Uncertain significance. Last evaluated: 2025-09-25. Review status: criteria provided, single submitter. Criteria: Invitae Variant Classification Sherloc (09022015). Collection method: clinical testing. Allele origin: germline.
Comment: This sequence change replaces arginine, which is basic and polar, with tryptophan, which is neutral and slightly polar, at codon 457 of the A2ML1 protein (p.Arg457Trp). This variant is present in population databases (rs759666595, gnomAD 0.04%). This variant has not been reported in the literature in individuals affected with A2ML1-related conditions. ClinVar contains an entry for this variant (Variation ID: 2731132). An algorithm developed to predict the effect of missense changes on protein structure and function (PolyPhen-2) suggests that this variant is likely to be tolerated. In summary, the available evidence is currently insufficient to determine the role of this variant in disease. Therefore, it has been classified as a Variant of Uncertain Significance.

Ambry Genetics
Classification: Uncertain significance. Last evaluated: 2024-05-23. Review status: criteria provided, single submitter. Criteria: Ambry Variant Classification Scheme 2023. Collection method: clinical testing. Allele origin: germline.
Comment: The p.R457W variant (also known as c.1369C>T), located in coding exon 12 of the A2ML1 gene, results from a C to T substitution at nucleotide position 1369. The arginine at codon 457 is replaced by tryptophan, an amino acid with dissimilar properties. This amino acid position is conserved. In addition, this alteration is predicted to be tolerated by in silico analysis. Based on the available evidence, the clinical significance of this variant remains unclear.

NM_144670.6(A2ML1):c.1369C>T (p.Arg457Trp)

Gene: A2ML1 (alpha-2-macroglobulin like 1; plus strand). Cytogenetic location: 12p13.31.
Variant type: single nucleotide variant.
Coding change: c.1369C>T on transcript NM_144670.6 (MANE Select); coding-DNA position 1369, C replaced by T.
Protein change: p.Arg457Trp; replaces arginine 457 with tryptophan.
Molecular consequence: missense variant.
Genome position (GRCh38, 1-based): chr12:8,843,254, C>T. VCF-style: chr12-8843254-C-T. GRCh37 (hg19) VCF-style: chr12-8995850-C-T.
Other names: c.1369C>T (NM_144670.3); short protein forms R457W.
Identifiers: ClinVar variation 2731132 (VCV002731132.4), dbSNP rs759666595, ClinGen allele CA6435632.